The following is an entry in ClinVar:

ClinVar aggregate classification (germline): Uncertain significance (1 of 4 stars; one submission).

Submission:

GeneDx
Classification: Uncertain significance. Last evaluated: 2019-04-11. Review status: criteria provided, single submitter. Criteria: GeneDx Variant Classification Process June 2021. Collection method: clinical testing. Allele origin: germline. Affected: yes.
Comment: Not observed in large population cohorts (Lek et al., 2016); In silico analysis, which includes protein predictors and evolutionary conservation, supports a deleterious effect; Has not been previously published as pathogenic or benign to our knowledge

NM_001276345.2(TNNT2):c.496A>G (p.Arg166Gly)

Gene: TNNT2 (troponin T2, cardiac type; minus strand). Cytogenetic location: 1q32.1.
Variant type: single nucleotide variant.
Coding change: c.496A>G on transcript NM_001276345.2 (MANE Select); coding-DNA position 496, A replaced by G.
Protein change: p.Arg166Gly; replaces arginine 166 with glycine.
Molecular consequence: missense variant.
Genome position (GRCh38, 1-based): chr1:201,363,400, T>C on the plus strand (A>G on the coding strand, the complement: TNNT2 is on the minus strand). VCF-style: chr1-201363400-T-C. GRCh37 (hg19) VCF-style: chr1-201332528-T-C.
Other names: c.496A>G, p.Arg166Gly (NM_000364.4); c.466A>G, p.Arg156Gly (NM_001001430.3, NM_001001431.3, NM_001276347.2); c.451A>G, p.Arg151Gly (NM_001001432.3); c.376A>G, p.Arg126Gly (NM_001276346.2); short protein forms R126G, R151G, R156G, R166G.
Identifiers: ClinVar variation 1305075 (VCV001305075.2), dbSNP rs2102245950, ClinGen allele CA089899.